The following is an entry in ClinVar:

ClinVar aggregate classification (germline): Uncertain significance (1 of 4 stars; one submission).

Conditions:
Cardiovascular phenotype. Identifiers: MedGen CN230736.

Submission:

Ambry Genetics
Classification: Uncertain significance for Cardiovascular phenotype. Last evaluated: 2025-09-28. Review status: criteria provided, single submitter. Criteria: Ambry Variant Classification Scheme 2023. Collection method: clinical testing. Allele origin: germline.
Comment: The p.V169G variant (also known as c.506T>G), located in coding exon 4 of the SCN1B gene, results from a T to G substitution at nucleotide position 506. The valine at codon 169 is replaced by glycine, an amino acid with dissimilar properties. This amino acid position is conserved. In addition, the in silico prediction for this alteration is inconclusive. Based on the available evidence, the clinical significance of this variant remains unclear.

NM_001037.5(SCN1B):c.506T>G (p.Val169Gly)

Gene: SCN1B (sodium voltage-gated channel beta subunit 1; plus strand). Cytogenetic location: 19q13.11.
Variant type: single nucleotide variant.
Coding change: c.506T>G on transcript NM_001037.5 (MANE Select); coding-DNA position 506, T replaced by G.
Protein change: p.Val169Gly; replaces valine 169 with glycine.
Molecular consequence: missense variant.
Genome position (GRCh38, 1-based): chr19:35,039,174, T>G. VCF-style: chr19-35039174-T-G. GRCh37 (hg19) VCF-style: chr19-35530078-T-G.
Other names: c.407T>G, p.Val136Gly (NM_001321605.2); short protein forms V136G, V169G.
Identifiers: ClinVar variation 4614916 (VCV004614916.1).
Genomic context (GRCh38, chr19:35,039,174, plus strand): 5'-CAGCCAACAGAGACATGGCATCCATCGTGTCTGAGATCATGATGTATGTGCTCATTGTGG[T>G]GTTGACCATATGGCTCGTGGCAGAGATGATTTACTGCTACAAGAAGATCGCTGCCGCCAC-3'
Protein context (NP_001028.1, residues 159-179): SEIMMYVLIV[Val169Gly]LTIWLVAEMI